The following is an entry in ClinVar:

ClinVar aggregate classification (germline): Uncertain significance. Review status: criteria provided, multiple submitters, no conflicts (2 of 4 stars). 2 submissions from 2 submitters: Uncertain significance (2). Last evaluated 2025-07-21.

Conditions:
Inborn genetic diseases. Identifiers: MedGen C0950123, MeSH D030342.

Allele frequency attached by ClinVar (database versions not stated): gnomAD exomes below 0.00001 and 0.00001; gnomAD 0.00001; ExAC 0.00002; TOPMed 0.00003.
gnomAD v4.1: 4 of 1,613,908 alleles (0.00025%); highest among the groups gnomAD compares: African/African-American, 0.004%; no homozygotes.

Submissions (2):

Labcorp Genetics (formerly Invitae), Labcorp
Classification: Uncertain significance. Last evaluated: 2025-07-21. Review status: criteria provided, single submitter. Criteria: Invitae Variant Classification Sherloc (09022015). Collection method: clinical testing. Allele origin: germline.
Comment: This sequence change replaces glycine, which is neutral and non-polar, with aspartic acid, which is acidic and polar, at codon 1083 of the VCAN protein (p.Gly1083Asp). This variant is present in population databases (rs764506909, gnomAD 0.007%). This variant has not been reported in the literature in individuals affected with VCAN-related conditions. ClinVar contains an entry for this variant (Variation ID: 1503895). An algorithm developed to predict the effect of missense changes on protein structure and function outputs the following: PolyPhen-2: "Benign". The aspartic acid amino acid residue is found in multiple mammalian species, which suggests that this missense change does not adversely affect protein function. In summary, the available evidence is currently insufficient to determine the role of this variant in disease. Therefore, it has been classified as a Variant of Uncertain Significance.

Ambry Genetics
Classification: Uncertain significance for Inborn genetic diseases. Last evaluated: 2023-03-01. Review status: criteria provided, single submitter. Criteria: Ambry Variant Classification Scheme 2023. Collection method: clinical testing. Allele origin: germline.

NM_004385.5(VCAN):c.3248G>A (p.Gly1083Asp)

Gene: VCAN (versican; plus strand). Cytogenetic location: 5q14.3.
Variant type: single nucleotide variant.
Coding change: c.3248G>A on transcript NM_004385.5 (MANE Select); coding-DNA position 3248, G replaced by A.
Protein change: p.Gly1083Asp; replaces glycine 1083 with aspartic acid.
Molecular consequence: missense variant. On other transcripts: intron variant (2).
Genome position (GRCh38, 1-based): chr5:83,521,554, G>A. VCF-style: chr5-83521554-G-A. GRCh37 (hg19) VCF-style: chr5-82817373-G-A.
Other names: c.3248G>A, p.Gly1083Asp (NM_001164098.2); c.1042+9158G>A (NM_001164097.2, NM_001126336.3); c.3248G>A (NM_004385.4); short protein forms G1083D.
Identifiers: ClinVar variation 1503895 (VCV001503895.10), dbSNP rs764506909, ClinGen allele CA3332981.
Genomic context (GRCh38, chr5:83,521,554, plus strand): 5'-TGGATGAACAAGAGGGCGATGGATCAGCATATACAGTCTCTGAAGATGAATTGTTGACAG[G>A]TTCTGAGAGGGTCCCAGTTTTAGAAACAACTCCAGTTGGAAAAATTGATCACAGTGTGTC-3'
Protein context (NP_004376.2, residues 1073-1093): YTVSEDELLT[Gly1083Asp]SERVPVLETT